The following is an entry in ClinVar:

NM_182961.4(SYNE1):c.12119G>A (p.Ser4040Asn)

Gene: SYNE1 (spectrin repeat containing nuclear envelope protein 1; minus strand). Cytogenetic location: 6q25.2.
Variant type: single nucleotide variant.
Coding change: c.12119G>A on transcript NM_182961.4 (MANE Select); coding-DNA position 12119, G replaced by A.
Protein change: p.Ser4040Asn; replaces serine 4040 with asparagine.
Molecular consequence: missense variant.
Genome position (GRCh38, 1-based): chr6:152,344,187, C>T on the plus strand (G>A on the coding strand, the complement: SYNE1 is on the minus strand). VCF-style: chr6-152344187-C-T. GRCh37 (hg19) VCF-style: chr6-152665322-C-T.
Other names: c.12119G>A (NM_182961.2); c.11906G>A, p.Ser3969Asn (NM_033071.5); c.11906G>A (NM_033071.3); short protein forms S3969N, S4040N.
Identifiers: ClinVar variation 596538 (VCV000596538.9), dbSNP rs756591744, ClinGen allele CA4056501.

ClinVar aggregate classification (germline): Uncertain significance. Review status: criteria provided, multiple submitters, no conflicts (2 of 4 stars). 3 submissions from 3 submitters: Uncertain significance (3). Last evaluated 2025-07-21.

Allele frequency attached by ClinVar (database versions not stated): gnomAD exomes below 0.00001 and 0.00001; ExAC 0.00001.
gnomAD v4.1: 12 of 1,614,220 alleles (0.00074%); highest among the groups gnomAD compares: African/African-American, 0.0013%; no homozygotes.

Submissions (3):

Athena Diagnostics
Classification: Uncertain significance. Last evaluated: 2025-07-21. Review status: criteria provided, single submitter. Criteria: Athena Diagnostics Criteria. Collection method: clinical testing. Allele origin: unknown.
Comment: Available data are insufficient to determine the clinical significance of the variant at this time. The frequency of this variant in the general population is uninformative in assessment of its pathogenicity. Polyphen and MutationTaster predict this amino acid change may be benign.

Revvity Omics, Revvity
Classification: Uncertain significance. Last evaluated: 2020-10-28. Review status: criteria provided, single submitter. Criteria: ACMG Guidelines, 2015. Collection method: clinical testing. Allele origin: germline.

Eurofins Ntd Llc (ga)
Classification: Uncertain significance. Last evaluated: 2018-03-20. Review status: criteria provided, single submitter. Criteria: EGL ClinVar v180209 classification definitions. Collection method: clinical testing. Allele origin: germline. Observed: 1 variant allele, 1 heterozygote.